The following is an entry in ClinVar:

ClinVar aggregate classification (germline): Uncertain significance. Review status: criteria provided, multiple submitters, no conflicts (2 of 4 stars). 2 submissions from 2 submitters: Uncertain significance (2). Last evaluated 2025-11-08.

Allele frequency attached by ClinVar (database versions not stated): ExAC 0.00006; gnomAD exomes 0.00006; gnomAD 0.00007; TOPMed 0.00011.
gnomAD v4.1: 106 of 1,613,330 alleles (0.0066%); highest among the groups gnomAD compares: Middle Eastern, 0.049%; no homozygotes.

Submissions (2):

Labcorp Genetics (formerly Invitae), Labcorp
Classification: Uncertain significance. Last evaluated: 2025-11-08. Review status: criteria provided, single submitter. Criteria: Invitae Variant Classification Sherloc (09022015). Collection method: clinical testing. Allele origin: germline.
Comment: This sequence change replaces alanine, which is neutral and non-polar, with valine, which is neutral and non-polar, at codon 604 of the CRAT protein (p.Ala604Val). This variant is present in population databases (rs779910980, gnomAD 0.01%). This variant has not been reported in the literature in individuals affected with CRAT-related conditions. ClinVar contains an entry for this variant (Variation ID: 2419947). Invitae Evidence Modeling of protein sequence and biophysical properties (such as structural, functional, and spatial information, amino acid conservation, physicochemical variation, residue mobility, and thermodynamic stability) indicates that this missense variant is not expected to disrupt CRAT protein function with a negative predictive value of 80%. In summary, the available evidence is currently insufficient to determine the role of this variant in disease. Therefore, it has been classified as a Variant of Uncertain Significance.

Women's Health and Genetics/Laboratory Corporation of America, LabCorp
Classification: Uncertain significance. Last evaluated: 2024-03-13. Review status: criteria provided, single submitter. Criteria: LabCorp Variant Classification Summary - May 2015. Collection method: clinical testing. Allele origin: germline.
Comment: Variant summary: CRAT c.1811C>T (p.Ala604Val) results in a non-conservative amino acid change located in the Choline/carnitine acyltransferase domain (IPR039551) of the encoded protein sequence. Three of five in-silico tools predict a damaging effect of the variant on protein function. The variant allele was found at a frequency of 5.2e-05 in 250038 control chromosomes. To our knowledge, no occurrence of c.1811C>T in individuals affected with Neurodegeneration With Brain Iron Accumulation 8 and no experimental evidence demonstrating its impact on protein function have been reported. ClinVar contains an entry for this variant (Variation ID: 2419947). Based on the evidence outlined above, the variant was classified as uncertain significance.

NM_000755.5(CRAT):c.1811C>T (p.Ala604Val)

Gene: CRAT (carnitine O-acetyltransferase; minus strand). Cytogenetic location: 9q34.11.
Variant type: single nucleotide variant.
Coding change: c.1811C>T on transcript NM_000755.5 (MANE Select); coding-DNA position 1811, C replaced by T.
Protein change: p.Ala604Val; replaces alanine 604 with valine.
Molecular consequence: missense variant.
Genome position (GRCh38, 1-based): chr9:129,095,467, G>A on the plus strand (C>T on the coding strand, the complement: CRAT is on the minus strand). VCF-style: chr9-129095467-G-A. GRCh37 (hg19) VCF-style: chr9-131857746-G-A.
Other names: c.1748C>T, p.Ala583Val (NM_001257363.3, NM_004003.4); c.1814C>T, p.Ala605Val (NM_001346546.2); c.1739C>T, p.Ala580Val (NM_001346547.2); c.1676C>T, p.Ala559Val (NM_001346548.2); c.1691C>T, p.Ala564Val (NM_001346549.2); short protein forms A559V, A564V, A580V, A583V, A604V, A605V.
Identifiers: ClinVar variation 2419947 (VCV002419947.8), dbSNP rs779910980, ClinGen allele CA5275235.